The following is an entry in ClinVar:

ClinVar aggregate classification (germline): Uncertain significance (1 of 4 stars; one submission).

Allele frequency attached by ClinVar (database versions not stated): TOPMed 0.00001; ExAC 0.00002; gnomAD 0.00003; 1000 Genomes Project 30x 0.00016; 1000 Genomes Project 0.00020.
gnomAD v4.1: 25 of 1,613,962 alleles (0.0015%); highest among the groups gnomAD compares: African/African-American, 0.0067%; no homozygotes.

Submission:

Labcorp Genetics (formerly Invitae), Labcorp
Classification: Uncertain significance. Last evaluated: 2025-11-26. Review status: criteria provided, single submitter. Criteria: Invitae Variant Classification Sherloc (09022015). Collection method: clinical testing. Allele origin: germline.
Comment: This sequence change affects codon 1373 of the COL7A1 mRNA. It is a 'silent' change, meaning that it does not change the encoded amino acid sequence of the COL7A1 protein. This variant also falls at the last nucleotide of exon 35, which is part of the consensus splice site for this exon. This variant is present in population databases (rs535938941, gnomAD 0.01%). This variant has not been reported in the literature in individuals affected with COL7A1-related conditions. ClinVar contains an entry for this variant (Variation ID: 2057534). Variants that disrupt the consensus splice site are a relatively common cause of aberrant splicing (PMID: 17576681, 9536098). Algorithms developed to predict the effect of sequence changes on RNA splicing suggest that this variant may create or strengthen a splice site. In summary, the available evidence is currently insufficient to determine the role of this variant in disease. Therefore, it has been classified as a Variant of Uncertain Significance.

Literature cited by the submitters: PubMed 17576681; PubMed 9536098.

NM_000094.4(COL7A1):c.4119G>A (p.Ser1373=)

Gene: COL7A1 (collagen type VII alpha 1 chain; minus strand). Cytogenetic location: 3p21.31.
Variant type: single nucleotide variant.
Coding change: c.4119G>A on transcript NM_000094.4 (MANE Select); coding-DNA position 4119, G replaced by A.
Protein change: p.Ser1373=; no amino-acid change (serine 1373 retained).
Molecular consequence: synonymous variant.
Genome position (GRCh38, 1-based): chr3:48,584,485, C>T on the plus strand (G>A on the coding strand, the complement: COL7A1 is on the minus strand). VCF-style: chr3-48584485-C-T. GRCh37 (hg19) VCF-style: chr3-48621918-C-T.
Identifiers: ClinVar variation 2057534 (VCV002057534.3), dbSNP rs535938941, ClinGen allele CA2380225.